The following is an entry in ClinVar:

NM_006231.4(POLE):c.345A>G (p.Glu115=)

Gene: POLE (DNA polymerase epsilon, catalytic subunit; minus strand). Cytogenetic location: 12q24.33.
Variant type: single nucleotide variant.
Coding change: c.345A>G on transcript NM_006231.4 (MANE Select); coding-DNA position 345, A replaced by G.
Protein change: p.Glu115=; no amino-acid change (glutamic acid 115 retained).
Molecular consequence: synonymous variant.
Genome position (GRCh38, 1-based): chr12:132,680,032, T>C on the plus strand (A>G on the coding strand, the complement: POLE is on the minus strand). VCF-style: chr12-132680032-T-C. GRCh37 (hg19) VCF-style: chr12-133256618-T-C.
Identifiers: ClinVar variation 4862333 (VCV004862333.1).

ClinVar aggregate classification (germline): Uncertain significance (1 of 4 stars; one submission).

Conditions:
Hereditary cancer-predisposing syndrome. Also called: Neoplastic Syndromes, Hereditary; Tumor predisposition; Hereditary Cancer Syndrome; Hereditary neoplastic syndrome. Identifiers: Orphanet 140162, MedGen C0027672, MeSH D009386, MONDO:0015356.

Submission:

Ambry Genetics
Classification: Uncertain significance for Hereditary cancer-predisposing syndrome. Last evaluated: 2026-05-29. Review status: criteria provided, single submitter. Criteria: Ambry Variant Classification Scheme 2023. Collection method: clinical testing. Allele origin: germline.
Comment: The c.345A>G variant (also known as p.E115E), located in coding exon 5 of the POLE gene, results from an A to G substitution at nucleotide position 345. This nucleotide substitution does not change the glutamic acid at codon 115. This nucleotide position is well conserved in available vertebrate species. In silico splice site analysis for this alteration is inconclusive. Based on the available evidence, the clinical significance of this variant remains unclear.